The following is an entry in ClinVar:

NM_001142800.2(EYS):c.3684+1G>A

Gene: EYS (EGF-like photoreceptor maintenance factor; minus strand). Cytogenetic location: 6q12.
Variant type: single nucleotide variant.
Coding change: c.3684+1G>A on transcript NM_001142800.2 (MANE Select); the canonical splice donor site of the intron after coding-DNA position 3684, G replaced by A.
Molecular consequence: splice donor variant.
Genome position (GRCh38, 1-based): chr6:64,617,417, C>T on the plus strand (G>A on the coding strand, the complement: EYS is on the minus strand). VCF-style: chr6-64617417-C-T. GRCh37 (hg19) VCF-style: chr6-65327310-C-T.
Other names: c.3684+1G>A (NM_001292009.2).
Identifiers: ClinVar variation 2854168 (VCV002854168.3), dbSNP rs2533214214, ClinGen allele CA364784962.

ClinVar aggregate classification (germline): Likely pathogenic (1 of 4 stars; one submission).

Allele frequency attached by ClinVar (database versions not stated): gnomAD exomes below 0.00001.
gnomAD v4.1: 1 of 1,527,596 alleles (0.000065%); highest among the groups gnomAD compares: Non-Finnish European, 0.000089%; no homozygotes.

Submission:

Labcorp Genetics (formerly Invitae), Labcorp
Classification: Likely pathogenic. Last evaluated: 2023-04-09. Review status: criteria provided, single submitter. Criteria: Invitae Variant Classification Sherloc (09022015). Collection method: clinical testing. Allele origin: germline.
Comment: In summary, the currently available evidence indicates that the variant is pathogenic, but additional data are needed to prove that conclusively. Therefore, this variant has been classified as Likely Pathogenic. Algorithms developed to predict the effect of sequence changes on RNA splicing suggest that this variant may disrupt the consensus splice site. This variant has not been reported in the literature in individuals affected with EYS-related conditions. This variant is not present in population databases (gnomAD no frequency). This sequence change affects a donor splice site in intron 24 of the EYS gene. It is expected to disrupt RNA splicing. Variants that disrupt the donor or acceptor splice site typically lead to a loss of protein function (PMID: 16199547), and loss-of-function variants in EYS are known to be pathogenic (PMID: 18836446, 20333770).

Literature cited by the submitters: PubMed 16199547; PubMed 18836446; PubMed 20333770.